The following is an entry in ClinVar:

ClinVar aggregate classification (germline): Conflicting classifications of pathogenicity. Review status: criteria provided, conflicting classifications (1 of 4 stars). 3 submissions from 3 submitters: Uncertain significance (2); Benign (1). Last evaluated 2025-12-23.

Conditions:
RAI1-related disorder. Also called: RAI1-related condition.

Allele frequency attached by ClinVar (database versions not stated): gnomAD 0.00001; gnomAD exomes 0.00001; TOPMed 0.00001.
gnomAD v4.1: 17 of 1,612,668 alleles (0.0011%); highest among the groups gnomAD compares: Non-Finnish European, 0.0014%; no homozygotes.

Submissions (3):

Labcorp Genetics (formerly Invitae), Labcorp
Classification: Benign. Last evaluated: 2025-12-23. Review status: criteria provided, single submitter. Criteria: Invitae Variant Classification Sherloc (09022015). Collection method: clinical testing. Allele origin: germline.

PreventionGenetics, part of Exact Sciences
Classification: Uncertain significance for RAI1-related condition. Last evaluated: 2025-05-09. Review status: criteria provided, single submitter. Criteria: ACMG Guidelines, 2015. Collection method: clinical testing. Allele origin: germline.
Comment: The RAI1 c.3913G>A variant is predicted to result in the amino acid substitution p.Ala1305Thr. To our knowledge, this variant has not been reported in the literature. This variant is reported in 0.0065% of alleles in individuals of European (Non-Finnish) descent in gnomAD. At this time, the clinical significance of this variant is uncertain due to the absence of conclusive functional and genetic evidence.

Eurofins Ntd Llc (ga)
Classification: Uncertain significance. Last evaluated: 2015-02-06. Review status: criteria provided, single submitter. Criteria: EGL Classification Definitions 2015. Collection method: clinical testing. Allele origin: germline. Observed: 1 variant allele, 1 heterozygote.

NM_030665.4(RAI1):c.3913G>A (p.Ala1305Thr)

Gene: RAI1 (retinoic acid induced 1; plus strand). Cytogenetic location: 17p11.2.
Variant type: single nucleotide variant.
Coding change: c.3913G>A on transcript NM_030665.4 (MANE Select); coding-DNA position 3913, G replaced by A.
Protein change: p.Ala1305Thr; replaces alanine 1305 with threonine.
Molecular consequence: missense variant.
Genome position (GRCh38, 1-based): chr17:17,796,861, G>A. VCF-style: chr17-17796861-G-A. GRCh37 (hg19) VCF-style: chr17-17700175-G-A.
Other names: c.3913G>A (NM_030665.3); short protein forms A1305T.
Identifiers: ClinVar variation 196532 (VCV000196532.11), dbSNP rs794727521, ClinGen allele CA243513.